The following is an entry in ClinVar:

ClinVar aggregate classification (germline): Likely benign. Review status: criteria provided, single submitter (1 of 4 stars). 2 submissions from 2 submitters: Likely benign (1). 1 of the submissions does not count toward it. Last evaluated 2023-10-13.

Conditions:
FAT4-related disorder. Also called: FAT4-related condition.

Allele frequency attached by ClinVar (database versions not stated): gnomAD exomes below 0.00001.
gnomAD v4.1: 4 of 1,316,730 alleles (0.0003%); highest among the groups gnomAD compares: Non-Finnish European, 0.00041%; no homozygotes.

Submissions (2):

Labcorp Genetics (formerly Invitae), Labcorp
Classification: Likely benign. Last evaluated: 2023-10-13. Review status: criteria provided, single submitter. Criteria: Invitae Variant Classification Sherloc (09022015). Collection method: clinical testing. Allele origin: germline.

PreventionGenetics, part of Exact Sciences
Classification: Likely benign for FAT4-related condition. Last evaluated: 2024-08-23. Review status: no assertion criteria provided. Collection method: clinical testing. Allele origin: germline. Not counted in ClinVar's aggregate classification.
Comment: This variant is classified as likely benign based on ACMG/AMP sequence variant interpretation guidelines (Richards et al. 2015 PMID: 25741868, with internal and published modifications).

NM_001291303.3(FAT4):c.5920+9T>C

Gene: FAT4 (FAT atypical cadherin 4; plus strand). Cytogenetic location: 4q28.1.
Variant type: single nucleotide variant.
Coding change: c.5920+9T>C on transcript NM_001291303.3 (MANE Select); 9 bases into the intron after coding-DNA position 5920, T replaced by C.
Molecular consequence: intron variant.
Genome position (GRCh38, 1-based): chr4:125,408,803, T>C. VCF-style: chr4-125408803-T-C. GRCh37 (hg19) VCF-style: chr4-126329958-T-C.
Other names: c.5920+9T>C (NM_024582.4, NM_001291285.3, NM_024582.6).
Identifiers: ClinVar variation 2897173 (VCV002897173.4), dbSNP rs2530757339, ClinGen allele CA2672010221.
Genomic context (GRCh38, chr4:125,408,803, plus strand): 5'-CTACCTGTGGGATCTACTGTTCTTGTGTTTAATGTTACTGATGCAGATGATGGTATGTAT[T>C]TTATTTAATATAATTTTTAAAACATCTATAAACTGTCATCAGATTTATATTACATTTATT-3'